The following is an entry in ClinVar:

NM_004999.4(MYO6):c.439A>G (p.Ile147Val)

Gene: MYO6 (myosin VI; plus strand). Cytogenetic location: 6q14.1.
Variant type: single nucleotide variant.
Coding change: c.439A>G on transcript NM_004999.4 (MANE Select); coding-DNA position 439, A replaced by G.
Protein change: p.Ile147Val; replaces isoleucine 147 with valine.
Molecular consequence: missense variant. On other transcripts: non-coding transcript variant (2).
Genome position (GRCh38, 1-based): chr6:75,832,889, A>G. VCF-style: chr6-75832889-A-G. GRCh37 (hg19) VCF-style: chr6-76542606-A-G.
Other names: c.439A>G, p.Ile147Val (NM_001300899.2, NM_001368136.1, NM_001368137.1 and 5 more transcripts); short protein forms I147V.
Identifiers: ClinVar variation 3376652 (VCV003376652.1).

ClinVar aggregate classification (germline): Uncertain significance (1 of 4 stars; one submission).

Conditions:
Autosomal recessive nonsyndromic hearing loss 37. Identifiers: Orphanet 90636, MedGen C1843028, MONDO:0011912, OMIM 607821.

gnomAD v4.1: 8 of 1,614,164 alleles (0.0005%); highest among the groups gnomAD compares: South Asian, 0.0077%; 1 homozygote.

Submission:

Victorian Clinical Genetics Services, Murdoch Childrens Research Institute
Classification: Uncertain significance for Autosomal recessive nonsyndromic hearing loss 37. Last evaluated: 2022-02-02. Review status: criteria provided, single submitter. Criteria: ACMG Guidelines, 2015. Collection method: clinical testing. Allele origin: germline.
Comment: Based on the classification scheme VCGS_Germline_v1.3.4, this variant is classified as VUS-3C. Following criteria are met: 0102 - Loss of function is a known mechanism of disease in this gene and is associated with deafness 22 with or without hypertrophic cardiomyopathy (MIM#606346) and deafness 37 (MIM#607821). (I) 0108 - This gene is associated with both recessive and dominant disease (OMIM). (I) 0200 - Variant is predicted to result in a missense amino acid change from isoleucine to valine. (I) 0251 - This variant is heterozygous. (I) 0302 - Variant is present in gnomAD (v2) <0.001 for a dominant condition (2 heterozygotes, 0 homozygotes). (SP) 0309 - An alternative amino acid change at the same position has been observed in gnomAD (v2) (1 heterozygote, 0 homozygotes). (I) 0504 - Same amino acid change has been observed in placental mammals. (SB) 0604 - Variant is not located in an established domain, motif, hotspot or informative constraint region. (I) 0705 - No comparable missense variants have previous evidence for pathogenicity. (I) 0807 - This variant has no previous evidence of pathogenicity. (I) 0905 - No published segregation evidence has been identified for this variant. (I) 1007 - No published functional evidence has been identified for this variant. (I) 1208 - Inheritance information for this variant is not currently available in this individual. (I) Legend: (SP) - Supporting pathogenic, (I) - Information, (SB) - Supporting benign